The following is an entry in ClinVar:

ClinVar aggregate classification (germline): Pathogenic (1 of 4 stars; one submission).

Conditions:
Hereditary spastic paraplegia 11. Also called: Spastic Paraplegia 11; Nakamura Osame syndrome; Autosomal recessive hereditary spastic paraplegia, mental impairment, and thin corpus callosum; SPASTIC PARAPLEGIA, AUTOSOMAL RECESSIVE, COMPLICATED, WITH THIN CORPUS CALLOSUM; SPASTIC PARAPLEGIA, AUTOSOMAL RECESSIVE, WITH MENTAL IMPAIRMENT AND THIN CORPUS CALLOSUM; Spastic paraplegia, mental retardation and thin corpus callosum. Identifiers: Orphanet 2822, MedGen C1858479, MONDO:0011445, OMIM 604360.

Submission:

Labcorp Genetics (formerly Invitae), Labcorp
Classification: Pathogenic for Hereditary spastic paraplegia 11. Last evaluated: 2021-11-04. Review status: criteria provided, single submitter. Criteria: Invitae Variant Classification Sherloc (09022015). Collection method: clinical testing. Allele origin: germline.
Comment: For these reasons, this variant has been classified as Pathogenic. This variant has not been reported in the literature in individuals affected with SPG11-related conditions. This variant is not present in population databases (gnomAD no frequency). This sequence change creates a premature translational stop signal (p.Leu1558Argfs*49) in the SPG11 gene. It is expected to result in an absent or disrupted protein product. Loss-of-function variants in SPG11 are known to be pathogenic (PMID: 19105190, 20110243, 22154821, 26556829).

Literature cited by the submitters: PubMed 19105190; PubMed 20110243; PubMed 22154821; PubMed 26556829.

NM_025137.4(SPG11):c.4673del (p.Leu1558fs)

Gene: SPG11 (SPG11 vesicle trafficking associated, spatacsin; minus strand). Cytogenetic location: 15q21.1.
Variant type: Deletion.
Coding change: c.4673del on transcript NM_025137.4 (MANE Select); coding-DNA position 4673, one base deleted (T; older notation c.4673delT).
Protein change: p.Leu1558fs; shifts the reading frame from leucine 1558.
Molecular consequence: frameshift variant.
Genome position (GRCh38, 1-based): chr15:44,592,401, A deleted on the plus strand (T on the coding strand, the reverse complement: SPG11 is on the minus strand). VCF-style (leftmost placement, unchanged base first): chr15-44592400-CA-C. GRCh37 (hg19) VCF-style: chr15-44884598-CA-C.
Other names: c.4673del, p.Leu1558fs (NM_001160227.2); short protein forms L1558fs.
Identifiers: ClinVar variation 1456833 (VCV001456833.6), dbSNP rs2140963289, ClinGen allele CA2573150984.